The following is an entry in ClinVar:

ClinVar aggregate classification (germline): Conflicting classifications of pathogenicity. Review status: criteria provided, conflicting classifications (1 of 4 stars). 2 submissions from 2 submitters: Uncertain significance (1); Likely benign (1). Last evaluated 2023-03-23.

Conditions:
Hereditary cancer-predisposing syndrome. Also called: Hereditary neoplastic syndrome; Hereditary Cancer Syndrome; Neoplastic Syndromes, Hereditary; Tumor predisposition. Identifiers: Orphanet 140162, MedGen C0027672, MeSH D009386, MONDO:0015356.

Submissions (2):

University of Washington Department of Laboratory Medicine, University of Washington
Classification: Likely benign for Hereditary cancer-predisposing syndrome. Last evaluated: 2023-03-23. Review status: criteria provided, single submitter. Criteria: Dines et al. (Genet Med. 2020). Collection method: curation. Allele origin: germline.
Comment: Missense variant in a coldspot region where missense variants are very unlikely to be pathogenic (PMID:31911673).

BRCA2 exon 11 coldspot. Reclassification based on statistical prior probability.

Ambry Genetics
Classification: Uncertain significance for Hereditary cancer-predisposing syndrome. Last evaluated: 2015-01-19. Review status: criteria provided, single submitter. Criteria: Ambry Variant Classification Scheme 2023. Collection method: clinical testing. Allele origin: germline.
Comment: The p.V2179L variant (also known as c.6535G>C or 6763G>C), located in coding exon 10 of the BRCA2 gene, results from a G to C substitution at nucleotide position 6535. The valine at codon 2179 is replaced by leucine, an amino acid with highly similar properties. This variant was not reported in population based cohorts in the following databases: Database of Single Nucleotide Polymorphisms (dbSNP), NHLBI Exome Sequencing Project (ESP), and 1000 Genomes Project. In the ESP, this variant was not observed in 6501 samples (13002 alleles) with coverage of 6,501 at this position. To date, this alteration has been detected with an allele frequency of approximately 0.001% (greater than 105,000 alleles tested) in our clinical cohort. This amino acid position is poorly conserved in available vertebrate species with leucine as the reference amino acid in several species. In addition, this alteration is predicted to be tolerated by in silico analysis. Since supporting evidence is limited at this time, the clinical significance of p.V2179L remains unclear.

NM_000059.4(BRCA2):c.6535G>C (p.Val2179Leu)

Gene: BRCA2 (BRCA2 DNA repair associated; plus strand). Cytogenetic location: 13q13.1.
Variant type: single nucleotide variant.
Coding change: c.6535G>C on transcript NM_000059.4 (MANE Select); coding-DNA position 6535, G replaced by C.
Protein change: p.Val2179Leu; replaces valine 2179 with leucine.
Molecular consequence: missense variant.
Genome position (GRCh38, 1-based): chr13:32,340,890, G>C. VCF-style: chr13-32340890-G-C. GRCh37 (hg19) VCF-style: chr13-32915027-G-C.
Other names: short protein forms V2179L.
Identifiers: ClinVar variation 230197 (VCV000230197.7), dbSNP rs876658443, ClinGen allele CA10579701.
Genomic context (GRCh38, chr13:32,340,890, plus strand): 5'-CAACAAGACAAACAACAGTTGGTATTAGGAACCAAAGTGTCACTTGTTGAGAACATTCAT[G>C]TTTTGGGAAAAGAACAGGCTTCACCTAAAAACGTAAAAATGGAAATTGGTAAAACTGAAA-3'
Protein context (NP_000050.3, residues 2169-2189): TKVSLVENIH[Val2179Leu]LGKEQASPKN